The following is an entry in ClinVar:

NM_004204.5(PIGQ):c.295G>A (p.Glu99Lys)

Gene: PIGQ (phosphatidylinositol glycan anchor biosynthesis class Q; plus strand). Cytogenetic location: 16p13.3.
Variant type: single nucleotide variant.
Coding change: c.295G>A on transcript NM_004204.5 (MANE Select); coding-DNA position 295, G replaced by A.
Protein change: p.Glu99Lys; replaces glutamic acid 99 with lysine.
Molecular consequence: missense variant.
Genome position (GRCh38, 1-based): chr16:574,369, G>A. VCF-style: chr16-574369-G-A. GRCh37 (hg19) VCF-style: chr16-624369-G-A.
Other names: c.295G>A, p.Glu99Lys (NM_148920.4); short protein forms E99K.
Identifiers: ClinVar variation 456043 (VCV000456043.18), dbSNP rs200383861, ClinGen allele CA7779829.

ClinVar aggregate classification (germline): Uncertain significance. Review status: criteria provided, multiple submitters, no conflicts (2 of 4 stars). 3 submissions from 3 submitters: Uncertain significance (3). Last evaluated 2025-02-01.

Conditions:
Epilepsy. Also called: Seizure disorder. Identifiers: MedGen C0014544, MeSH D004827, MONDO:0005027.

Allele frequency attached by ClinVar (database versions not stated): ExAC 0.00002; gnomAD exomes 0.00002 and 0.00003; gnomAD 0.00006; TOPMed 0.00006; ESP Exome Variant Server 0.00008.
gnomAD v4.1: 35 of 1,610,278 alleles (0.0022%); highest among the groups gnomAD compares: Non-Finnish European, 0.0028%; no homozygotes.

Submissions (3):

CeGaT Center for Human Genetics Tuebingen
Classification: Uncertain significance. Last evaluated: 2025-02-01. Review status: criteria provided, single submitter. Criteria: CeGaT Center For Human Genetics Tuebingen Variant Classification Criteria Version 2. Collection method: clinical testing. Allele origin: germline. Affected: yes. Observed: 1 variant allele.
Comment: PIGQ: PM2

Labcorp Genetics (formerly Invitae), Labcorp
Classification: Uncertain significance for Epilepsy. Last evaluated: 2022-04-23. Review status: criteria provided, single submitter. Criteria: Invitae Variant Classification Sherloc (09022015). Collection method: clinical testing. Allele origin: germline.
Comment: This sequence change replaces glutamic acid, which is acidic and polar, with lysine, which is basic and polar, at codon 99 of the PIGQ protein (p.Glu99Lys). This variant is present in population databases (rs200383861, gnomAD 0.006%). This variant has not been reported in the literature in individuals affected with PIGQ-related conditions. ClinVar contains an entry for this variant (Variation ID: 456043). Algorithms developed to predict the effect of missense changes on protein structure and function are either unavailable or do not agree on the potential impact of this missense change (SIFT: "Deleterious"; PolyPhen-2: "Benign"; Align-GVGD: "Class C0"). In summary, the available evidence is currently insufficient to determine the role of this variant in disease. Therefore, it has been classified as a Variant of Uncertain Significance.

Blueprint Genetics
Classification: Uncertain significance. Last evaluated: 2022-04-07. Review status: criteria provided, single submitter. Criteria: ACMG Guidelines, 2015. Collection method: clinical testing. Allele origin: germline.